The following is an entry in ClinVar:

NM_003883.4(HDAC3):c.873C>T (p.Leu291=)

Gene: HDAC3 (histone deacetylase 3; minus strand). Cytogenetic location: 5q31.3.
Variant type: single nucleotide variant.
Coding change: c.873C>T on transcript NM_003883.4 (MANE Select); coding-DNA position 873, C replaced by T.
Protein change: p.Leu291=; no amino-acid change (leucine 291 retained).
Molecular consequence: synonymous variant. On other transcripts: non-coding transcript variant (6).
Genome position (GRCh38, 1-based): chr5:141,626,241, G>A on the plus strand (C>T on the coding strand, the complement: HDAC3 is on the minus strand). VCF-style: chr5-141626241-G-A. GRCh37 (hg19) VCF-style: chr5-141005808-G-A.
Other names: c.873C>T, p.Leu291= (NM_001355039.2); c.414C>T, p.Leu138= (NM_001355040.2); c.312C>T, p.Leu104= (NM_001355041.2).
Identifiers: ClinVar variation 4821537 (VCV004821537.4).

ClinVar aggregate classification (germline): Likely benign (1 of 4 stars; one submission).

gnomAD v4.1: 68 of 1,614,012 alleles (0.0042%); highest among the groups gnomAD compares: Admixed American, 0.033%; no homozygotes.

Submission:

CeGaT Center for Human Genetics Tuebingen
Classification: Likely benign. Last evaluated: 2026-03-01. Review status: criteria provided, single submitter. Criteria: CeGaT Center For Human Genetics Tuebingen Variant Classification Criteria Version 2. Collection method: clinical testing. Allele origin: germline. Affected: yes. Observed: 1 variant allele.
Comment: HDAC3: BP4, BP7